The following is an entry in ClinVar:

NM_000263.4(NAGLU):c.446G>T (p.Arg149Leu)

Gene: NAGLU (N-acetyl-alpha-glucosaminidase; plus strand). Cytogenetic location: 17q21.2.
Variant type: single nucleotide variant.
Coding change: c.446G>T on transcript NM_000263.4 (MANE Select); coding-DNA position 446, G replaced by T.
Protein change: p.Arg149Leu; replaces arginine 149 with leucine.
Molecular consequence: missense variant.
Genome position (GRCh38, 1-based): chr17:42,537,460, G>T. VCF-style: chr17-42537460-G-T. GRCh37 (hg19) VCF-style: chr17-40689478-G-T.
Other names: c.446G>T (NM_000263.3); short protein forms R149L.
Identifiers: ClinVar variation 2161161 (VCV002161161.4), dbSNP rs1489785243, ClinGen allele CA399598125.

ClinVar aggregate classification (germline): Uncertain significance. Review status: criteria provided, multiple submitters, no conflicts (2 of 4 stars). 2 submissions from 2 submitters: Uncertain significance (2). Last evaluated 2022-02-04.

Conditions:
Charcot-Marie-Tooth disease axonal type 2V. Also called: CHARCOT-MARIE-TOOTH NEUROPATHY, TYPE 2V; CHARCOT-MARIE-TOOTH DISEASE, AXONAL, AUTOSOMAL DOMINANT, TYPE 2V. Identifiers: Orphanet 447964, MedGen C5569050, MONDO:0014665, OMIM 616491.
Mucopolysaccharidosis, MPS-III-B (MPS3B). Also called: N-ACETYL-ALPHA-D-GLUCOSAMINIDASE DEFICIENCY; NAGLU DEFICIENCY; SANFILIPPO SYNDROME B; MPS III B; MUCOPOLYSACCHARIDOSIS, TYPE IIIB; MPS IIIB (Sanfilippo Syndrome Type B). Identifiers: Orphanet 79270, MedGen C0086648, MONDO:0009656, OMIM 252920.

gnomAD v4.1: 2 of 1,614,128 alleles (0.00012%); highest among the groups gnomAD compares: East Asian, 0.0022%; no homozygotes.

Submissions (2):

Labcorp Genetics (formerly Invitae), Labcorp
Classification: Uncertain significance for Charcot-Marie-Tooth disease axonal type 2V; Mucopolysaccharidosis, MPS-III-B. Last evaluated: 2022-02-04. Review status: criteria provided, single submitter. Criteria: Invitae Variant Classification Sherloc (09022015). Collection method: clinical testing. Allele origin: germline.
Comment: This sequence change replaces arginine, which is basic and polar, with leucine, which is neutral and non-polar, at codon 149 of the NAGLU protein (p.Arg149Leu). This variant is not present in population databases (gnomAD no frequency). This variant has not been reported in the literature in individuals affected with NAGLU-related conditions. Advanced modeling of protein sequence and biophysical properties (such as structural, functional, and spatial information, amino acid conservation, physicochemical variation, residue mobility, and thermodynamic stability) performed at Invitae indicates that this missense variant is expected to disrupt NAGLU protein function. In summary, the available evidence is currently insufficient to determine the role of this variant in disease. Therefore, it has been classified as a Variant of Uncertain Significance.

Revvity Omics, Revvity
Classification: Uncertain significance. Last evaluated: 2019-10-11. Review status: criteria provided, single submitter. Criteria: ACMG Guidelines, 2015. Collection method: clinical testing. Allele origin: germline.